The following is an entry in ClinVar:

ClinVar aggregate classification (germline): Uncertain significance (1 of 4 stars; one submission).

Conditions:
Hereditary cancer-predisposing syndrome. Also called: Tumor predisposition; Hereditary Cancer Syndrome; Hereditary neoplastic syndrome; Neoplastic Syndromes, Hereditary. Identifiers: Orphanet 140162, MedGen C0027672, MeSH D009386, MONDO:0015356.

Submission:

Ambry Genetics
Classification: Uncertain significance for Hereditary cancer-predisposing syndrome. Last evaluated: 2025-09-19. Review status: criteria provided, single submitter. Criteria: Ambry Variant Classification Scheme 2023. Collection method: clinical testing. Allele origin: germline.
Comment: The p.M217I variant (also known as c.651G>A), located in coding exon 3 of the SMARCA4 gene, results from a G to A substitution at nucleotide position 651. The methionine at codon 217 is replaced by isoleucine, an amino acid with highly similar properties. This amino acid position is conserved. In addition, this alteration is predicted to be tolerated by in silico analysis. Based on the available evidence, the clinical significance of this variant remains unclear.

NM_003072.5(SMARCA4):c.651G>A (p.Met217Ile)

Gene: SMARCA4 (SWI/SNF related BAF chromatin remodeling complex subunit ATPase 4; plus strand). Cytogenetic location: 19p13.2.
Variant type: single nucleotide variant.
Coding change: c.651G>A on transcript NM_003072.5 (MANE Select); coding-DNA position 651, G replaced by A.
Protein change: p.Met217Ile; replaces methionine 217 with isoleucine.
Molecular consequence: missense variant. On other transcripts: non-coding transcript variant (1).
Genome position (GRCh38, 1-based): chr19:10,986,484, G>A. VCF-style: chr19-10986484-G-A. GRCh37 (hg19) VCF-style: chr19-11097160-G-A.
Other names: c.651G>A, p.Met217Ile (NM_001128844.3, NM_001128845.2, NM_001128846.2 and 6 more transcripts); short protein forms M217I.
Identifiers: ClinVar variation 4549171 (VCV004549171.1).